The following is an entry in ClinVar:

ClinVar aggregate classification (germline): Uncertain significance (1 of 4 stars; one submission).

Submission:

Labcorp Genetics (formerly Invitae), Labcorp
Classification: Uncertain significance. Last evaluated: 2022-05-27. Review status: criteria provided, single submitter. Criteria: Invitae Variant Classification Sherloc (09022015). Collection method: clinical testing. Allele origin: germline.
Comment: In summary, the available evidence is currently insufficient to determine the role of this variant in disease. Therefore, it has been classified as a Variant of Uncertain Significance. Advanced modeling of protein sequence and biophysical properties (such as structural, functional, and spatial information, amino acid conservation, physicochemical variation, residue mobility, and thermodynamic stability) performed at Invitae indicates that this missense variant is expected to disrupt ABCB4 protein function. This variant has not been reported in the literature in individuals affected with ABCB4-related conditions. This variant is not present in population databases (gnomAD no frequency). This sequence change replaces lysine, which is basic and polar, with glutamic acid, which is acidic and polar, at codon 413 of the ABCB4 protein (p.Lys413Glu).

NM_000443.4(ABCB4):c.1237A>G (p.Lys413Glu)

Gene: ABCB4 (ATP binding cassette subfamily B member 4; minus strand). Cytogenetic location: 7q21.12.
Variant type: single nucleotide variant.
Coding change: c.1237A>G on transcript NM_000443.4 (MANE Select); coding-DNA position 1237, A replaced by G.
Protein change: p.Lys413Glu; replaces lysine 413 with glutamic acid.
Molecular consequence: missense variant.
Genome position (GRCh38, 1-based): chr7:87,443,438, T>C on the plus strand (A>G on the coding strand, the complement: ABCB4 is on the minus strand). VCF-style: chr7-87443438-T-C. GRCh37 (hg19) VCF-style: chr7-87072754-T-C.
Other names: c.1237A>G, p.Lys413Glu (NM_018849.3, NM_018850.3); short protein forms K413E.
Identifiers: ClinVar variation 1999424 (VCV001999424.4), dbSNP rs2546837561, ClinGen allele CA368044574.